The following is an entry in ClinVar:

NM_201253.3(CRB1):c.2404C>T (p.Pro802Ser)

Gene: CRB1 (crumbs cell polarity complex component 1; plus strand). Cytogenetic location: 1q31.3.
Variant type: single nucleotide variant.
Coding change: c.2404C>T on transcript NM_201253.3 (MANE Select); coding-DNA position 2404, C replaced by T.
Protein change: p.Pro802Ser; replaces proline 802 with serine.
Molecular consequence: missense variant. On other transcripts: non-coding transcript variant (2), intron variant (1).
Genome position (GRCh38, 1-based): chr1:197,427,729, C>T. VCF-style: chr1-197427729-C-T. GRCh37 (hg19) VCF-style: chr1-197396859-C-T.
Other names: c.2197C>T, p.Pro733Ser (NM_001257965.2); c.2128+5773C>T (NM_001257966.2); c.2068C>T, p.Pro690Ser (NM_001193640.2); short protein forms P690S, P733S, P802S.
Identifiers: ClinVar variation 1018187 (VCV001018187.8), dbSNP rs767723282, ClinGen allele CA1312117.

ClinVar aggregate classification (germline): Uncertain significance. Review status: criteria provided, single submitter (1 of 4 stars). 2 submissions from 2 submitters: Uncertain significance (1). 1 of the submissions does not count toward it. Last evaluated 2023-07-10.

Conditions:
Leber congenital amaurosis 8 (LCA8). Identifiers: Orphanet 65, MedGen C3151202, MONDO:0013453, OMIM 613835.
Retinitis pigmentosa 12 (RP12). Also called: RP WITH OR WITHOUT PRESERVED PARAARTERIOLE RETINAL PIGMENT EPITHELIUM; RETINITIS PIGMENTOSA WITH OR WITHOUT PARAARTERIOLAR PRESERVATION OF RETINAL PIGMENT EPITHELIUM; RP WITH OR WITHOUT PPRPE. Identifiers: Orphanet 791, MedGen C1838647, MONDO:0010818, OMIM 600105.
Leber congenital amaurosis (LCA). Also called: Leber's amaurosis. Identifiers: Orphanet 65, MedGen C0339527, MeSH D057130, MONDO:0018998.

Allele frequency attached by ClinVar (database versions not stated): ExAC 0.00001; gnomAD 0.00001; TOPMed 0.00001; gnomAD exomes 0.00002.

Submissions (2):

Labcorp Genetics (formerly Invitae), Labcorp
Classification: Uncertain significance for Leber congenital amaurosis 8; Retinitis pigmentosa 12. Last evaluated: 2023-07-10. Review status: criteria provided, single submitter. Criteria: Invitae Variant Classification Sherloc (09022015). Collection method: clinical testing. Allele origin: germline.
Comment: In summary, the available evidence is currently insufficient to determine the role of this variant in disease. Therefore, it has been classified as a Variant of Uncertain Significance. Advanced modeling of protein sequence and biophysical properties (such as structural, functional, and spatial information, amino acid conservation, physicochemical variation, residue mobility, and thermodynamic stability) performed at Invitae indicates that this missense variant is expected to disrupt CRB1 protein function. ClinVar contains an entry for this variant (Variation ID: 1018187). This variant has not been reported in the literature in individuals affected with CRB1-related conditions. This variant is present in population databases (rs767723282, gnomAD 0.004%). This sequence change replaces proline, which is neutral and non-polar, with serine, which is neutral and polar, at codon 802 of the CRB1 protein (p.Pro802Ser).

Natera, Inc.
Classification: Uncertain significance for Leber congenital amaurosis. Last evaluated: 2020-06-16. Review status: no assertion criteria provided. Collection method: clinical testing. Allele origin: germline. Not counted in ClinVar's aggregate classification.